The following is an entry in ClinVar:

ClinVar aggregate classification (germline): Pathogenic (1 of 4 stars; one submission).

Submission:

Labcorp Genetics (formerly Invitae), Labcorp
Classification: Pathogenic. Last evaluated: 2022-01-03. Review status: criteria provided, single submitter. Criteria: Invitae Variant Classification Sherloc (09022015). Collection method: clinical testing. Allele origin: germline.
Comment: For these reasons, this variant has been classified as Pathogenic. This variant has not been reported in the literature in individuals affected with ABCA4-related conditions. This variant is a gross deletion of the genomic region encompassing exon(s) 1-19 of the ABCA4 gene, which includes the initiator codon. This deletion extends beyond the assayed region for this gene and therefore may encompass additional genes. It is expected to result in an absent or disrupted protein product. Loss-of-function variants in ABCA4 are known to be pathogenic (PMID: 10958761, 24938718, 25312043, 26780318).

Literature cited by the submitters: PubMed 10958761; PubMed 24938718; PubMed 25312043; PubMed 26780318.

NC_000001.10:g.(?_94512455)_(94586601_?)del

Gene: ABCA4 (ATP binding cassette subfamily A member 4; minus strand). Cytogenetic location: 1p22.1.
Variant type: Deletion.
Identifiers: ClinVar variation 2422944 (VCV002422944.3).